The following is an entry in ClinVar:

NM_018006.5(TRMU):c.*124G>C

Gene: TRMU (tRNA mitochondrial 2-thiouridylase; plus strand). Cytogenetic location: 22q13.31.
Variant type: single nucleotide variant.
Coding change: c.*124G>C on transcript NM_018006.5 (MANE Select); 124 bases downstream of the stop codon, G replaced by C.
Molecular consequence: 3 prime UTR variant. On other transcripts: non-coding transcript variant (2).
Genome position (GRCh38, 1-based): chr22:46,357,130, G>C. VCF-style: chr22-46357130-G-C. GRCh37 (hg19) VCF-style: chr22-46753027-G-C.
Other names: c.*124G>C (NM_001282782.2, NM_001282783.2); c.*176G>C (NM_001282784.2, NM_001282785.2).
Identifiers: ClinVar variation 342023 (VCV000342023.7), dbSNP rs116303153, ClinGen allele CA10654188.

ClinVar aggregate classification (germline): Benign/Likely benign. Review status: criteria provided, multiple submitters, no conflicts (2 of 4 stars). 2 submissions from 2 submitters: Benign (1); Likely benign (1). Last evaluated 2018-12-05.

Conditions:
Acute infantile liver failure due to synthesis defect of mtDNA-encoded proteins. Also called: Liver failure acute infantile; TRMU Deficiency; LIVER FAILURE, INFANTILE, TRANSIENT. Identifiers: Orphanet 217371, MedGen C3278664, MONDO:0013111, OMIM 613070.

Allele frequency attached by ClinVar (database versions not stated): gnomAD 0.01300; TOPMed 0.01384; 1000 Genomes Project 30x 0.01640; 1000 Genomes Project 0.01438.
gnomAD v4.1: 3,632 of 1,426,880 alleles (0.25%); highest among the groups gnomAD compares: African/African-American, 4.5%; 77 homozygotes.

Submissions (2):

GeneDx
Classification: Likely benign. Last evaluated: 2018-12-05. Review status: criteria provided, single submitter. Criteria: GeneDx Variant Classification Process June 2021. Collection method: clinical testing. Allele origin: germline. Affected: yes.

Illumina Laboratory Services, Illumina
Classification: Benign for Acute infantile liver failure due to synthesis defect of mtDNA-encoded proteins. Last evaluated: 2018-01-13. Review status: criteria provided, single submitter. Criteria: ICSL Variant Classification Criteria 13 December 2019. Collection method: clinical testing. Allele origin: germline.
Comment: This variant was observed in the ICSL laboratory as part of a predisposition screen in an ostensibly healthy population. It had not been previously curated by ICSL or reported in the Human Gene Mutation Database (HGMD: prior to June 1st, 2018), and was therefore a candidate for classification through an automated scoring system. Utilizing variant allele frequency, disease prevalence and penetrance estimates, and inheritance mode, an automated score was calculated to assess if this variant is too frequent to cause the disease. Based on the score and internal cut-off values, a variant classified as benign is not then subjected to further curation. The score for this variant resulted in a classification of benign for this disease.